The following is an entry in ClinVar:

ClinVar aggregate classification (germline): Uncertain significance (1 of 4 stars; one submission).

Conditions:
Neuronal ceroid lipofuscinosis. Also called: Neuronal Ceroid Lipofuscinoses. Identifiers: Orphanet 216, Orphanet 79263, MedGen C0027877, MONDO:0016295. Disease mechanism: loss of function.

Allele frequency attached by ClinVar (database versions not stated): gnomAD exomes 0.00001.

Submission:

Labcorp Genetics (formerly Invitae), Labcorp
Classification: Uncertain significance for Neuronal ceroid lipofuscinosis. Last evaluated: 2024-06-17. Review status: criteria provided, single submitter. Criteria: Invitae Variant Classification Sherloc (09022015). Collection method: clinical testing. Allele origin: germline.
Comment: This sequence change replaces arginine, which is basic and polar, with cysteine, which is neutral and slightly polar, at codon 250 of the CLN6 protein (p.Arg250Cys). This variant is present in population databases (no rsID available, gnomAD 0.005%). This variant has not been reported in the literature in individuals affected with CLN6-related conditions. ClinVar contains an entry for this variant (Variation ID: 1438976). Advanced modeling of protein sequence and biophysical properties (such as structural, functional, and spatial information, amino acid conservation, physicochemical variation, residue mobility, and thermodynamic stability) performed at Invitae indicates that this missense variant is not expected to disrupt CLN6 protein function with a negative predictive value of 80%. In summary, the available evidence is currently insufficient to determine the role of this variant in disease. Therefore, it has been classified as a Variant of Uncertain Significance.

NM_017882.3(CLN6):c.748C>T (p.Arg250Cys)

Gene: CLN6 (CLN6 transmembrane ER protein; minus strand). Cytogenetic location: 15q23.
Variant type: single nucleotide variant.
Coding change: c.748C>T on transcript NM_017882.3 (MANE Select); coding-DNA position 748, C replaced by T.
Protein change: p.Arg250Cys; replaces arginine 250 with cysteine.
Molecular consequence: missense variant.
Genome position (GRCh38, 1-based): chr15:68,208,328, G>A on the plus strand (C>T on the coding strand, the complement: CLN6 is on the minus strand). VCF-style: chr15-68208328-G-A. GRCh37 (hg19) VCF-style: chr15-68500666-G-A.
Other names: short protein forms R250C.
Identifiers: ClinVar variation 1438976 (VCV001438976.8), dbSNP rs950362413, ClinGen allele CA272382821.